The following is an entry in ClinVar:

NM_000243.3(MEFV):c.1795A>G (p.Asn599Asp)

Genes: MEFV (MEFV innate immunity regulator, pyrin; minus strand), LOC126862264 (CDK7 strongly-dependent group 2 enhancer GRCh37_chr16:3293322-3294521; plus strand). Cytogenetic location: 16p13.3.
Variant type: single nucleotide variant.
Coding change: c.1795A>G on transcript NM_000243.3 (MANE Select); coding-DNA position 1795, A replaced by G.
Protein change: p.Asn599Asp; replaces asparagine 599 with aspartic acid.
Molecular consequence: missense variant. On other transcripts: synonymous variant (1).
Genome position (GRCh38, 1-based): chr16:3,243,692, T>C on the plus strand (A>G on the coding strand, the complement: MEFV is on the minus strand). VCF-style: chr16-3243692-T-C. GRCh37 (hg19) VCF-style: chr16-3293692-T-C.
Other names: c.1337A>G, p.Ter446= (NM_001198536.2); short protein forms N599D.
Identifiers: ClinVar variation 97464 (VCV000097464.14), dbSNP rs104895210, ClinGen allele CA280449.
Genomic context (GRCh38, chr16:3,243,692, plus strand): 5'-TCTTCAGATCATCAGAGAAGATGAGGTTGGGGTAAGCGGTTTCTGCATCCAGAATCACAT[T>C]AACTGCAAAGAAAATTTGAATACCTAGGTAGGGGTCCATGGGCAACATCCCTACAGGGTT-3'
Protein context (NP_000234.1, residues 589-609): ELIGAQAHAV[Asn599Asp]VILDAETAYP

ClinVar aggregate classification (germline): Conflicting classifications of pathogenicity. Review status: criteria provided, conflicting classifications (1 of 4 stars). 10 submissions from 8 submitters: Uncertain significance (5); Likely benign (3). 2 of the submissions do not count toward it. Last evaluated 2024-12-12.

Conditions:
Familial Mediterranean fever (FMF). Also called: POLYSEROSITIS, FAMILIAL PAROXYSMAL; POLYSEROSITIS, RECURRENT; Periodic peritonitis; Benign paroxysmal peritonitis. Identifiers: Orphanet 342, MedGen C0031069, MONDO:0018088, OMIM 249100. Disease mechanism: gain of function.
Familial Mediterranean fever, autosomal dominant. Also called: Dominant Familial Mediterranean Fever; FMF, AUTOSOMAL DOMINANT. Identifiers: Orphanet 342, MedGen C1851347, MONDO:0007601, OMIM 134610.
Acute febrile neutrophilic dermatosis (AFND). Also called: Gomm Button disease; Sweet Syndrome. Identifiers: Orphanet 3243, MedGen C0085077, MONDO:0011959, OMIM 608068.
Autoinflammatory syndrome. Identifiers: Orphanet 93665, MedGen C3890737, MONDO:0019751.
MEFV-related disorder. Also called: MEFV-related disorders; MEFV-related condition.

Allele frequency attached by ClinVar (database versions not stated): gnomAD exomes 0.00003 and 0.00006; ExAC 0.00008; TOPMed 0.00020; gnomAD 0.00021 and 0.00032; ESP Exome Variant Server 0.00031; 1000 Genomes Project 30x 0.00078; 1000 Genomes Project 0.00080.
gnomAD v4.1: 95 of 1,610,528 alleles (0.0059%); highest among the groups gnomAD compares: African/African-American, 0.12%; 7 homozygotes.

Submissions (10):

PreventionGenetics, part of Exact Sciences
Classification: Uncertain significance for MEFV-related condition. Last evaluated: 2024-12-12. Review status: criteria provided, single submitter. Criteria: ACMG Guidelines, 2015. Collection method: clinical testing. Allele origin: germline.
Comment: The MEFV c.1795A>G variant is predicted to result in the amino acid substitution p.Asn599Asp. To our knowledge, this variant has not been reported in the literature. This variant is reported in 0.079% of alleles in individuals of African descent in gnomAD. Although we suspect that this variant may be benign, at this time, the clinical significance of this variant is uncertain due to the absence of conclusive functional and genetic evidence.

Genome-Nilou Lab
Classification: Likely benign for Familial Mediterranean fever. Last evaluated: 2023-02-08. Review status: criteria provided, single submitter. Criteria: ACMG Guidelines, 2015. Collection method: clinical testing. Allele origin: germline.

Genome-Nilou Lab
Classification: Likely benign for Familial Mediterranean fever, autosomal dominant. Last evaluated: 2023-02-08. Review status: criteria provided, single submitter. Criteria: ACMG Guidelines, 2015. Collection method: clinical testing. Allele origin: germline.

Genome-Nilou Lab
Classification: Likely benign for Acute febrile neutrophilic dermatosis. Last evaluated: 2023-02-08. Review status: criteria provided, single submitter. Criteria: ACMG Guidelines, 2015. Collection method: clinical testing. Allele origin: germline.

Labcorp Genetics (formerly Invitae), Labcorp
Classification: Uncertain significance for Familial Mediterranean fever. Last evaluated: 2022-07-05. Review status: criteria provided, single submitter. Criteria: Invitae Variant Classification Sherloc (09022015). Collection method: clinical testing. Allele origin: germline.
Comment: This sequence change replaces asparagine, which is neutral and polar, with aspartic acid, which is acidic and polar, at codon 599 of the MEFV protein (p.Asn599Asp). This variant is present in population databases (rs104895210, gnomAD 0.08%). This missense change has been observed in individual(s) with clinical features of MEFV-related conditions (PMID: 18409191, 21520333). ClinVar contains an entry for this variant (Variation ID: 97464). Algorithms developed to predict the effect of missense changes on protein structure and function output the following: SIFT: "Tolerated"; PolyPhen-2: "Benign"; Align-GVGD: "Class C0". The aspartic acid amino acid residue is found in multiple mammalian species, which suggests that this missense change does not adversely affect protein function. In summary, the available evidence is currently insufficient to determine the role of this variant in disease. Therefore, it has been classified as a Variant of Uncertain Significance.

Fulgent Genetics
Classification: Uncertain significance for Familial Mediterranean fever, autosomal dominant; Familial Mediterranean fever; Acute febrile neutrophilic dermatosis. Last evaluated: 2022-03-30. Review status: criteria provided, single submitter. Criteria: ACMG Guidelines, 2015. Collection method: clinical testing. Allele origin: unknown.

Genome Diagnostics Laboratory, The Hospital for Sick Children
Classification: Uncertain significance for Autoinflammatory syndrome. Last evaluated: 2021-01-11. Review status: criteria provided, single submitter. Criteria: ACMG Guidelines, 2015. Collection method: clinical testing. Allele origin: germline. Affected: yes.

GeneDx
Classification: Uncertain significance. Last evaluated: 2016-03-03. Review status: criteria provided, single submitter. Criteria: GeneDx Variant Classification (06012015). Collection method: clinical testing. Allele origin: germline. Affected: yes.
Comment: An abstract presented at the 7th Congress of the International Soceity of Systemic Auto-Inflammatory Diseases describes one FMF patient with N599D (Aladbe et al., 2013). The variant was not observed at any significant frequency in approximately 6,500 individuals of European and African American ancestry in the NHLBI Exome Sequencing Project, indicating it is not a common benign variant in these populations. N599D is a semi-conservative amino acid substitution, which may impact secondary protein structure as these residues differ in some properties. However, this substitution occurs at a position that is not conserved, and in silico analysis predicts this variant likely does not alter the protein structure/function. Therefore, based on the currently available information, it is unclear whether this variant is a pathogenic variant or a rare benign variant.

Natera, Inc.
Classification: Uncertain significance for Familial Mediterranean fever. Last evaluated: 2019-10-28. Review status: no assertion criteria provided. Collection method: clinical testing. Allele origin: germline. Not counted in ClinVar's aggregate classification.

Unité médicale des maladies autoinflammatoires, CHRU Montpellier
No classification provided. Condition: Familial Mediterranean fever. Review status: no classification provided. Collection method: not provided. Allele origin: unknown. Not counted in ClinVar's aggregate classification.

Literature cited by the submitters: PubMed 18409191 (cited by Labcorp Genetics (formerly Invitae), Labcorp); PubMed 21520333 (cited by Labcorp Genetics (formerly Invitae), Labcorp).